The following is an entry in ClinVar:

NM_001042492.3(NF1):c.2894T>G (p.Ile965Arg)

Gene: NF1 (neurofibromin 1; plus strand). Cytogenetic location: 17q11.2.
Variant type: single nucleotide variant.
Coding change: c.2894T>G on transcript NM_001042492.3 (MANE Select); coding-DNA position 2894, T replaced by G.
Protein change: p.Ile965Arg; replaces isoleucine 965 with arginine.
Molecular consequence: missense variant.
Genome position (GRCh38, 1-based): chr17:31,229,878, T>G. VCF-style: chr17-31229878-T-G. GRCh37 (hg19) VCF-style: chr17-29556896-T-G.
Other names: c.2894T>G, p.Ile965Arg (NM_000267.4); short protein forms I965R.
Identifiers: ClinVar variation 457607 (VCV000457607.5), dbSNP rs1555614438, ClinGen allele CA398986108.

ClinVar aggregate classification (germline): Likely pathogenic (1 of 4 stars; one submission).

Conditions:
Neurofibromatosis, type 1 (NF1). Also called: VON RECKLINGHAUSEN DISEASE; NEUROFIBROMATOSIS, TYPE I, SOMATIC; Peripheral type neurofibromatosis; Neurofibromatosis, type I. Identifiers: Orphanet 636, MedGen C0027831, MONDO:0018975, OMIM 162200. Disease mechanism: loss of function.

Submission:

Labcorp Genetics (formerly Invitae), Labcorp
Classification: Likely pathogenic for Neurofibromatosis, type 1. Last evaluated: 2020-03-17. Review status: criteria provided, single submitter. Criteria: Invitae Variant Classification Sherloc (09022015). Collection method: clinical testing. Allele origin: germline.
Comment: This sequence change replaces isoleucine with arginine at codon 965 of the NF1 protein (p.Ile965Arg). The isoleucine residue is moderately conserved and there is a moderate physicochemical difference between isoleucine and arginine. This variant is not present in population databases (ExAC no frequency) and has not been reported in the literature in individuals with a NF1-related disease. In summary, this variant is a novel missense change that has been observed de novo in an affected individual. This evidence indicates that the variant is pathogenic, but additional data is needed to prove that conclusively. Therefore, this variant has been classified as Likely Pathogenic. Algorithms developed to predict the effect of missense changes on protein structure and function do not agree on the potential impact of this missense change (SIFT: "Deleterious"; PolyPhen-2: "Probably Damaging"; Align-GVGD: "Class C0"). Family studies have indicated that this variant was not present in the parents of an individual with clinical features of neurofibromatosis type 1, which suggests that it was de novo in that affected individual (Invitae).